The following is an entry in ClinVar:

ClinVar aggregate classification (germline): Uncertain significance. Review status: criteria provided, multiple submitters, no conflicts (2 of 4 stars). 3 submissions from 3 submitters: Uncertain significance (3). Last evaluated 2025-10-02.

Conditions:
Inborn genetic diseases. Identifiers: MedGen C0950123, MeSH D030342.
Spondylometaphyseal dysplasia - Sutcliffe type. Also called: Spondylometaphyseal dysplasia, 'corner fracture' type; Spondylometaphyseal Dysplasia, Corner Fracture Type; Sutcliffe type of spondylometaphyseal dysplasia; Sutcliffe SMD. Identifiers: Orphanet 93315, MedGen C0432221, MONDO:0008479, OMIM 184255.
Glomerulopathy with fibronectin deposits 2 (GFND2). Identifiers: Orphanet 84090, MedGen C1866075, MONDO:0011165, OMIM 601894.

Allele frequency attached by ClinVar (database versions not stated): gnomAD 0.00001; gnomAD exomes 0.00001 and 0.00002; ExAC 0.00002.
gnomAD v4.1: 19 of 1,613,692 alleles (0.0012%); highest among the groups gnomAD compares: Non-Finnish European, 0.0015%; no homozygotes.

Submissions (3):

Labcorp Genetics (formerly Invitae), Labcorp
Classification: Uncertain significance. Last evaluated: 2025-10-02. Review status: criteria provided, single submitter. Criteria: Invitae Variant Classification Sherloc (09022015). Collection method: clinical testing. Allele origin: germline.
Comment: This sequence change replaces proline, which is neutral and non-polar, with arginine, which is basic and polar, at codon 1529 of the FN1 protein (p.Pro1529Arg). The frequency data for this variant in the population databases is considered unreliable, as metrics indicate poor data quality at this position in the gnomAD database. This variant has not been reported in the literature in individuals affected with FN1-related conditions. ClinVar contains an entry for this variant (Variation ID: 1450581). An algorithm developed to predict the effect of missense changes on protein structure and function (PolyPhen-2) suggests that this variant is likely to be tolerated. In summary, the available evidence is currently insufficient to determine the role of this variant in disease. Therefore, it has been classified as a Variant of Uncertain Significance.

Ambry Genetics
Classification: Uncertain significance for Inborn genetic diseases. Last evaluated: 2023-02-14. Review status: criteria provided, single submitter. Criteria: Ambry Variant Classification Scheme 2023. Collection method: clinical testing. Allele origin: germline.

Fulgent Genetics
Classification: Uncertain significance for Spondylometaphyseal dysplasia - Sutcliffe type; Glomerulopathy with fibronectin deposits 2. Last evaluated: 2021-08-03. Review status: criteria provided, single submitter. Criteria: ACMG Guidelines, 2015. Collection method: clinical testing. Allele origin: unknown.

NM_212482.4(FN1):c.4586C>G (p.Pro1529Arg)

Gene: FN1 (fibronectin 1; minus strand). Cytogenetic location: 2q35.
Variant type: single nucleotide variant.
Coding change: c.4586C>G on transcript NM_212482.4 (MANE Select); coding-DNA position 4586, C replaced by G.
Protein change: p.Pro1529Arg; replaces proline 1529 with arginine.
Molecular consequence: missense variant.
Genome position (GRCh38, 1-based): chr2:215,386,715, G>C on the plus strand (C>G on the coding strand, the complement: FN1 is on the minus strand). VCF-style: chr2-215386715-G-C. GRCh37 (hg19) VCF-style: chr2-216251438-G-C.
Other names: c.4586C>G (NM_212482.1); c.4586C>G, p.Pro1529Arg (NM_001306129.2, NM_001306130.2, NM_001365517.2 and 3 more transcripts); c.4313C>G, p.Pro1438Arg (NM_001306131.2, NM_001306132.2, NM_001365518.2 and 7 more transcripts); short protein forms P1438R, P1529R.
Identifiers: ClinVar variation 1450581 (VCV001450581.10), dbSNP rs760993609, ClinGen allele CA2094396.